The following is an entry in ClinVar:

ClinVar aggregate classification (germline): Uncertain significance (1 of 4 stars; one submission).

Submission:

GeneDx
Classification: Uncertain significance. Last evaluated: 2021-01-14. Review status: criteria provided, single submitter. Criteria: GeneDx Variant Classification Process June 2021. Collection method: clinical testing. Allele origin: germline. Affected: yes.
Comment: Not observed in large population cohorts (Lek et al., 2016); In silico analysis supports that this missense variant has a deleterious effect on protein structure/function; Has not been previously published as pathogenic or benign to our knowledge

NM_183357.3(ADCY5):c.3385T>C (p.Tyr1129His)

Gene: ADCY5 (adenylate cyclase 5; minus strand). Cytogenetic location: 3q21.1.
Variant type: single nucleotide variant.
Coding change: c.3385T>C on transcript NM_183357.3 (MANE Select); coding-DNA position 3385, T replaced by C.
Protein change: p.Tyr1129His; replaces tyrosine 1129 with histidine.
Molecular consequence: missense variant.
Genome position (GRCh38, 1-based): chr3:123,289,897, A>G on the plus strand (T>C on the coding strand, the complement: ADCY5 is on the minus strand). VCF-style: chr3-123289897-A-G. GRCh37 (hg19) VCF-style: chr3-123008744-A-G.
Other names: c.2335T>C, p.Tyr779His (NM_001199642.1); c.3460T>C, p.Tyr1154His (NM_001378259.1); short protein forms Y1129H, Y1154H, Y779H.
Identifiers: ClinVar variation 1314013 (VCV001314013.2), dbSNP rs2108184108, ClinGen allele CA354223173.
Genomic context (GRCh38, chr3:123,289,897, plus strand): 5'-TGATGTGGGTCTTGCCCACCTTGTCGTAGGTAGAGTCGTTGAGGCCGGAGGCAGCCATGT[A>G]GGTGCTGCCGATGGTCTTGATCTTCTCCAGCTGCCGGAACCGATCCTCGCTGATGATCTG-3'
Protein context (NP_899200.1, residues 1119-1139): LEKIKTIGST[Tyr1129His]MAASGLNDST